The following is an entry in ClinVar:

ClinVar aggregate classification (germline): Uncertain significance (1 of 4 stars; one submission).

Conditions:
Inborn genetic diseases. Identifiers: MedGen C0950123, MeSH D030342.

Submission:

Ambry Genetics
Classification: Uncertain significance for Inborn genetic diseases. Last evaluated: 2025-02-03. Review status: criteria provided, single submitter. Criteria: Ambry Variant Classification Scheme 2023. Collection method: clinical testing. Allele origin: germline.
Comment: The c.2380G>A (p.E794K) alteration is located in exon 15 (coding exon 15) of the CHD5 gene. This alteration results from a G to A substitution at nucleotide position 2380, causing the glutamic acid (E) at amino acid position 794 to be replaced by a lysine (K). This variant was not reported in population-based cohorts in the Genome Aggregation Database (gnomAD). This amino acid position is highly conserved in available vertebrate species. This missense alteration is located in a region that has a low rate of benign missense variation (Lek, 2016; Firth, 2009). This alteration is predicted to be deleterious by in silico analysis. Based on insufficient or conflicting evidence, the clinical significance of this alteration remains unclear.

NM_015557.3(CHD5):c.2380G>A (p.Glu794Lys)

Gene: CHD5 (chromodomain helicase DNA binding protein 5; minus strand). Cytogenetic location: 1p36.31.
Variant type: single nucleotide variant.
Coding change: c.2380G>A on transcript NM_015557.3 (MANE Select); coding-DNA position 2380, G replaced by A.
Protein change: p.Glu794Lys; replaces glutamic acid 794 with lysine.
Molecular consequence: missense variant.
Genome position (GRCh38, 1-based): chr1:6,142,184, C>T on the plus strand (G>A on the coding strand, the complement: CHD5 is on the minus strand). VCF-style: chr1-6142184-C-T. GRCh37 (hg19) VCF-style: chr1-6202244-C-T.
Other names: short protein forms E794K.
Identifiers: ClinVar variation 3492008 (VCV003492008.2).